The following is an entry in ClinVar:

NM_003970.4(MYOM2):c.3694+10T>C

Gene: MYOM2 (myomesin 2; plus strand). Cytogenetic location: 8p23.3.
Variant type: single nucleotide variant.
Coding change: c.3694+10T>C on transcript NM_003970.4 (MANE Select); 10 bases into the intron after coding-DNA position 3694, T replaced by C.
Molecular consequence: intron variant.
Genome position (GRCh38, 1-based): chr8:2,124,227, T>C. VCF-style: chr8-2124227-T-C. GRCh37 (hg19) VCF-style: chr8-2072100-T-C.
Identifiers: ClinVar variation 3046378 (VCV003046378.2), dbSNP rs745692085, ClinGen allele CA170462829.
Genomic context (GRCh38, chr8:2,124,227, plus strand): 5'-TCTCATTTTCAGTGTATGATGATATGATTTTGGCAATGAGTAGAGTCTGTGGTAAGTAAA[T>C]GCCTTTTAATTTTCAAGTCATTTGGGGTGCTGAAATCACTATTTCCTGACACGGGAAGTC-3'

ClinVar aggregate classification (germline): Likely benign (0 of 4 stars; one submission).

Conditions:
MYOM2-related disorder. Also called: MYOM2-related condition.

Allele frequency attached by ClinVar (database versions not stated): gnomAD exomes 0.00001; ExAC 0.00002; gnomAD 0.00002; TOPMed 0.00007.
gnomAD v4.1: 18 of 1,609,796 alleles (0.0011%); highest among the groups gnomAD compares: Middle Eastern, 0.016%; no homozygotes.

Submission:

PreventionGenetics, part of Exact Sciences
Classification: Likely benign for MYOM2-related condition. Last evaluated: 2019-03-12. Review status: no assertion criteria provided. Collection method: clinical testing. Allele origin: germline.
Comment: This variant is classified as likely benign based on ACMG/AMP sequence variant interpretation guidelines (Richards et al. 2015 PMID: 25741868, with internal and published modifications).